The following is an entry in ClinVar:

NM_031407.7(HUWE1):c.10244C>G (p.Ala3415Gly)

Gene: HUWE1 (HECT, UBA and WWE domain containing E3 ubiquitin protein ligase 1; minus strand). Cytogenetic location: Xp11.22.
Variant type: single nucleotide variant.
Coding change: c.10244C>G on transcript NM_031407.7 (MANE Select); coding-DNA position 10244, C replaced by G.
Protein change: p.Ala3415Gly; replaces alanine 3415 with glycine.
Molecular consequence: missense variant.
Genome position (GRCh38, 1-based): chrX:53,548,065, G>C on the plus strand (C>G on the coding strand, the complement: HUWE1 is on the minus strand). VCF-style: chrX-53548065-G-C. GRCh37 (hg19) VCF-style: chrX-53575026-G-C.
Other names: short protein forms A3415G.
Identifiers: ClinVar variation 3600941 (VCV003600941.1).

ClinVar aggregate classification (germline): Uncertain significance (1 of 4 stars; one submission).

gnomAD v4.1: 1 of 1,207,948 alleles (0.000083%); highest among the groups gnomAD compares: African/African-American, 0.0017%; no homozygotes.

Submission:

GeneDx
Classification: Uncertain significance. Last evaluated: 2024-07-22. Review status: criteria provided, single submitter. Criteria: GeneDx Variant Classification Process June 2021. Collection method: clinical testing. Allele origin: germline. Affected: yes.
Comment: Not observed at significant frequency in large population cohorts (gnomAD); In silico analysis indicates that this missense variant does not alter protein structure/function; Has not been previously published as pathogenic or benign to our knowledge